The following is an entry in ClinVar:

ClinVar aggregate classification (germline): Uncertain significance (1 of 4 stars; one submission).

Allele frequency attached by ClinVar (database versions not stated): gnomAD exomes below 0.00001; ExAC 0.00001; gnomAD 0.00002; TOPMed 0.00002.
gnomAD v4.1: 5 of 1,613,928 alleles (0.00031%); highest among the groups gnomAD compares: Admixed American, 0.0033%; no homozygotes.

Submission:

GeneDx
Classification: Uncertain significance. Last evaluated: 2023-03-30. Review status: criteria provided, single submitter. Criteria: GeneDx Variant Classification Process June 2021. Collection method: clinical testing. Allele origin: germline. Affected: yes.
Comment: In silico analysis supports that this missense variant has a deleterious effect on protein structure/function; Has not been previously published as pathogenic or benign to our knowledge

NM_017852.5(NLRP2):c.1961C>T (p.Ser654Leu)

Gene: NLRP2 (NLR family pyrin domain containing 2; plus strand). Cytogenetic location: 19q13.42.
Variant type: single nucleotide variant.
Coding change: c.1961C>T on transcript NM_017852.5 (MANE Select); coding-DNA position 1961, C replaced by T.
Protein change: p.Ser654Leu; replaces serine 654 with leucine.
Molecular consequence: missense variant. On other transcripts: non-coding transcript variant (1).
Genome position (GRCh38, 1-based): chr19:54,983,659, C>T. VCF-style: chr19-54983659-C-T. GRCh37 (hg19) VCF-style: chr19-55495027-C-T.
Other names: c.1961C>T, p.Ser654Leu (NM_001174081.3); c.1895C>T, p.Ser632Leu (NM_001174082.3); c.1892C>T, p.Ser631Leu (NM_001174083.2); c.1952C>T, p.Ser651Leu (NM_001348003.2); short protein forms S631L, S632L, S651L, S654L.
Identifiers: ClinVar variation 2582006 (VCV002582006.1), dbSNP rs779493327, ClinGen allele CA310105983.
Genomic context (GRCh38, chr19:54,983,659, plus strand): 5'-CAGTAGACGTTGTGCCATCTTCATTCTGCGTCAAGCACTGTCGAAACCTGCAGAAAATGT[C>T]ACTGCAGGTAATAAAGGAGAATCTCCCGGAGAATGTCACTGCGTCTGAATCAGACGCCGA-3'
Protein context (NP_060322.1, residues 644-664): VKHCRNLQKM[Ser654Leu]LQVIKENLPE